The following is an entry in ClinVar:

NM_003072.5(SMARCA4):c.436T>C (p.Ser146Pro)

Gene: SMARCA4 (SWI/SNF related BAF chromatin remodeling complex subunit ATPase 4; plus strand). Cytogenetic location: 19p13.2.
Variant type: single nucleotide variant.
Coding change: c.436T>C on transcript NM_003072.5 (MANE Select); coding-DNA position 436, T replaced by C.
Protein change: p.Ser146Pro; replaces serine 146 with proline.
Molecular consequence: missense variant. On other transcripts: non-coding transcript variant (1).
Genome position (GRCh38, 1-based): chr19:10,986,269, T>C. VCF-style: chr19-10986269-T-C. GRCh37 (hg19) VCF-style: chr19-11096945-T-C.
Other names: c.436T>C, p.Ser146Pro (NM_001128844.3, NM_001128845.2, NM_001128846.2 and 6 more transcripts); short protein forms S146P.
Identifiers: ClinVar variation 2452833 (VCV002452833.2), dbSNP rs2145773968, ClinGen allele CA404055942.

ClinVar aggregate classification (germline): Uncertain significance (1 of 4 stars; one submission).

Conditions:
Hereditary cancer-predisposing syndrome. Also called: Neoplastic Syndromes, Hereditary; Tumor predisposition; Hereditary neoplastic syndrome; Hereditary Cancer Syndrome. Identifiers: Orphanet 140162, MedGen C0027672, MeSH D009386, MONDO:0015356.

Submission:

Ambry Genetics
Classification: Uncertain significance for Hereditary cancer-predisposing syndrome. Last evaluated: 2022-11-10. Review status: criteria provided, single submitter. Criteria: Ambry Variant Classification Scheme 2023. Collection method: clinical testing. Allele origin: germline.
Comment: The p.S146P variant (also known as c.436T>C), located in coding exon 3 of the SMARCA4 gene, results from a T to C substitution at nucleotide position 436. The serine at codon 146 is replaced by proline, an amino acid with similar properties. This amino acid position is not well conserved in available vertebrate species. In addition, this alteration is predicted to be tolerated by in silico analysis. Missense and in-frame variants in SMARCA4 are known to cause neurodevelopmental disorders; however, such associations with rhabdoid tumor predisposition syndrome including small cell carcinoma of the ovary-hypercalcemic type (SCCOHT) are exceedingly rare (Kosho T et al. Am J Med Genet C Semin Med Genet. 2014 Sep;166C(3):262-75; Jelinic P et al. Nat Genet. 2014 May;46(5):424-6). Based on the supporting evidence, the association of this alteration with Coffin-Siris syndrome is unknown; however, the association of this alteration with rhabdoid tumor predisposition syndrome is unlikely.